The following is an entry in ClinVar:

NM_004260.4(RECQL4):c.3253_3255del (p.Cys1085del)

Gene: RECQL4 (RecQ like helicase 4; minus strand). Cytogenetic location: 8q24.3.
Variant type: Deletion.
Coding change: c.3253_3255del on transcript NM_004260.4 (MANE Select); coding-DNA positions 3253 to 3255, 3 bases deleted (TGC; older notation c.3253_3255delTGC).
Protein change: p.Cys1085del; deletes cysteine 1085.
Molecular consequence: inframe deletion.
Genome position (GRCh38, 1-based): chr8:144,512,049-144,512,051, GCA deleted on the plus strand (TGC on the coding strand, the reverse complement: RECQL4 is on the minus strand); deleting any 3 consecutive bases within chr8:144,512,049-144,512,053 gives the same sequence; the c. name uses the placement nearest the transcript's 3' end. VCF-style (leftmost placement, unchanged base first): chr8-144512048-CGCA-C. GRCh37 (hg19) VCF-style: chr8-145737431-CGCA-C.
Other names: short protein forms C1085del.
Identifiers: ClinVar variation 1491910 (VCV001491910.8), dbSNP rs1564788945, ClinGen allele CA586165206.

ClinVar aggregate classification (germline): Uncertain significance (1 of 4 stars; one submission).

Conditions:
Baller-Gerold syndrome (BGS). Also called: CRANIOSYNOSTOSIS WITH RADIAL DEFECTS. Identifiers: Orphanet 1225, MedGen C0265308, MONDO:0009039, OMIM 218600.

Submission:

Labcorp Genetics (formerly Invitae), Labcorp
Classification: Uncertain significance for Baller-Gerold syndrome. Last evaluated: 2023-01-24. Review status: criteria provided, single submitter. Criteria: Invitae Variant Classification Sherloc (09022015). Collection method: clinical testing. Allele origin: germline.
Comment: This variant, c.3253_3255del, results in the deletion of 1 amino acid(s) of the RECQL4 protein (p.Cys1085del), but otherwise preserves the integrity of the reading frame. This variant is present in population databases (no rsID available, gnomAD 0.007%). This variant has not been reported in the literature in individuals affected with RECQL4-related conditions. ClinVar contains an entry for this variant (Variation ID: 1491910). Experimental studies and prediction algorithms are not available or were not evaluated, and the functional significance of this variant is currently unknown. In summary, the available evidence is currently insufficient to determine the role of this variant in disease. Therefore, it has been classified as a Variant of Uncertain Significance.